The following is an entry in ClinVar:

NC_000003.11:g.(?_182756794)_(182763348_?)del

Gene: MCCC1 (methylcrotonyl-CoA carboxylase subunit 1; minus strand). Cytogenetic location: 3q27.1.
Variant type: Deletion.
Identifiers: ClinVar variation 2426520 (VCV002426520.4).

ClinVar aggregate classification (germline): Pathogenic (1 of 4 stars; one submission).

Conditions:
3-methylcrotonyl-CoA carboxylase 1 deficiency (MCC1D). Also called: MCCD TYPE 1; METHYLCROTONYLGLYCINURIA TYPE I; MCC 1 deficiency; 3 Alpha methylcrotonylglycinuria 1. Identifiers: Orphanet 6, MedGen CN028786, MONDO:0008861, OMIM 210200.

Submission:

Labcorp Genetics (formerly Invitae), Labcorp
Classification: Pathogenic for 3-methylcrotonyl-CoA carboxylase 1 deficiency. Last evaluated: 2023-06-09. Review status: criteria provided, single submitter. Criteria: Invitae Variant Classification Sherloc (09022015). Collection method: clinical testing. Allele origin: germline.
Comment: For these reasons, this variant has been classified as Pathogenic. This variant has not been reported in the literature in individuals affected with MCCC1-related conditions. This variant is a gross deletion of the genomic region encompassing exon(s) 10-12 of the MCCC1 gene. This deletion is out-of-frame, and is expected to create a premature termination codon and result in an absent or disrupted protein product. Loss-of-function variants in MCCC1 are known to be pathogenic (PMID: 11181649, 15359379, 22642865).

Literature cited by the submitters: PubMed 11181649; PubMed 15359379; PubMed 22642865.